The following is an entry in ClinVar:

NM_001378687.1(ATP2C1):c.215G>A (p.Trp72Ter)

Gene: ATP2C1 (ATPase secretory pathway Ca2+ transporting 1; plus strand). Cytogenetic location: 3q22.1.
Variant type: single nucleotide variant.
Coding change: c.215G>A on transcript NM_001378687.1 (MANE Select); coding-DNA position 215, G replaced by A.
Protein change: p.Trp72Ter; replaces tryptophan 72 with a stop codon.
Molecular consequence: nonsense. On other transcripts: intron variant (1).
Genome position (GRCh38, 1-based): chr3:130,932,119, G>A. VCF-style: chr3-130932119-G-A. GRCh37 (hg19) VCF-style: chr3-130650963-G-A.
Other names: c.215G>A, p.Trp72Ter (NM_001001485.3, NM_001001486.2, NM_001001487.2 and 5 more transcripts); c.317G>A, p.Trp106Ter (NM_001199180.2, NM_001199181.3, NM_001378511.1); c.167G>A, p.Trp56Ter (NM_001199183.2, NM_001199184.3, NM_001378514.1); c.219+1593G>A (NM_001199182.2); short protein forms W106*, W72*, W56*.
Identifiers: ClinVar variation 4750121 (VCV004750121.1).

ClinVar aggregate classification (germline): Pathogenic (1 of 4 stars; one submission).

Submission:

Labcorp Genetics (formerly Invitae), Labcorp
Classification: Pathogenic. Last evaluated: 2025-02-27. Review status: criteria provided, single submitter. Criteria: Invitae Variant Classification Sherloc (09022015). Collection method: clinical testing. Allele origin: germline.
Comment: This sequence change creates a premature translational stop signal (p.Trp72*) in the ATP2C1 gene. It is expected to result in an absent or disrupted protein product. Loss-of-function variants in ATP2C1 are known to be pathogenic (PMID: 10615129, 10767338, 11841554). This variant is not present in population databases (gnomAD no frequency). This premature translational stop signal has been observed in individual(s) with Hailey-Hailey disease (PMID: 31435946). For these reasons, this variant has been classified as Pathogenic.

Literature cited by the submitters: PubMed 10615129; PubMed 10767338; PubMed 11841554; PubMed 31435946.